The following is an entry in ClinVar:

ClinVar aggregate classification (germline): Uncertain significance (0 of 4 stars; one submission).

Conditions:
LEPR-related disorder. Also called: LEPR-related condition; LEPR-related disorders.

gnomAD v4.1: 12 of 1,613,012 alleles (0.00074%); highest among the groups gnomAD compares: Non-Finnish European, 0.001%; no homozygotes.

Submission:

PreventionGenetics, part of Exact Sciences
Classification: Uncertain significance for LEPR-related condition. Last evaluated: 2024-07-12. Review status: no assertion criteria provided. Collection method: clinical testing. Allele origin: germline.
Comment: The LEPR c.1302C>G variant is predicted to result in the amino acid substitution p.Ile434Met. This variant was observed in a cohort of individuals with obesity, and in vitro functional studies showed function similar to wild-type levels (Supplemental Data Set, Shah et al. 2023. PubMed ID: 36864747). This variant is reported in 0.00088% of alleles in individuals of European (Non-Finnish) descent in gnomAD. At this time, the clinical significance of this variant is uncertain due to the absence of conclusive functional and genetic evidence.

NM_002303.6(LEPR):c.1302C>G (p.Ile434Met)

Gene: LEPR (leptin receptor; plus strand). Cytogenetic location: 1p31.3.
Variant type: single nucleotide variant.
Coding change: c.1302C>G on transcript NM_002303.6 (MANE Select); coding-DNA position 1302, C replaced by G.
Protein change: p.Ile434Met; replaces isoleucine 434 with methionine.
Molecular consequence: missense variant.
Genome position (GRCh38, 1-based): chr1:65,601,859, C>G. VCF-style: chr1-65601859-C-G. GRCh37 (hg19) VCF-style: chr1-66067542-C-G.
Other names: c.1302C>G, p.Ile434Met (NM_001003679.3, NM_001003680.3, NM_001198687.2 and 2 more transcripts); short protein forms I434M.
Identifiers: ClinVar variation 3355767 (VCV003355767.1).